The following is an entry in ClinVar:

ClinVar aggregate classification (germline): Pathogenic (1 of 4 stars; one submission).

Submission:

Labcorp Genetics (formerly Invitae), Labcorp
Classification: Pathogenic. Last evaluated: 2022-11-08. Review status: criteria provided, single submitter. Criteria: Invitae Variant Classification Sherloc (09022015). Collection method: clinical testing. Allele origin: germline.
Comment: For these reasons, this variant has been classified as Pathogenic. This variant disrupts a region of the LRP5 protein in which other variant(s) (p.Thr1489Met) have been determined to be pathogenic (Invitae). This suggests that this is a clinically significant region of the protein, and that variants that disrupt it are likely to be disease-causing. Experimental studies and prediction algorithms are not available or were not evaluated, and the functional significance of this variant is currently unknown. ClinVar contains an entry for this variant (Variation ID: 1018700). This variant has not been reported in the literature in individuals affected with LRP5-related conditions. This variant is not present in population databases (gnomAD no frequency). This variant, c.4453_4482del, results in the deletion of 10 amino acid(s) of the LRP5 protein (p.Ser1485_Tyr1494del), but otherwise preserves the integrity of the reading frame.

NM_002335.4(LRP5):c.4453_4482del (p.Ser1485_Tyr1494del)

Gene: LRP5 (LDL receptor related protein 5; plus strand). Cytogenetic location: 11q13.2.
Variant type: Deletion.
Coding change: c.4453_4482del on transcript NM_002335.4 (MANE Select); coding-DNA positions 4453 to 4482, 30 bases deleted (AGCTCGTCCAGCACGAAGGCCACGCTGTAC).
Protein change: p.Ser1485_Tyr1494del.
Molecular consequence: inframe deletion.
Genome position (GRCh38, 1-based): chr11:68,439,881-68,439,910, AGCTCGTCCAGCACGAAGGCCACGCTGTAC deleted; deleting any 30 consecutive bases within chr11:68,439,880-68,439,910 gives the same sequence; the c. name uses the placement nearest the transcript's 3' end. VCF-style (leftmost placement, unchanged base first): chr11-68439879-GCAGCTCGTCCAGCACGAAGGCCACGCTGTA-G. GRCh37 (hg19) VCF-style: chr11-68207347-GCAGCTCGTCCAGCACGAAGGCCACGCTGTA-G.
Other names: c.2710_2739del, p.Ser904_Tyr913del (NM_001291902.2).
Identifiers: ClinVar variation 1018700 (VCV001018700.10), dbSNP rs2098677216, ClinGen allele CA1980657229.